The following is an entry in ClinVar:

ClinVar aggregate classification (germline): Uncertain significance (1 of 4 stars; one submission).

Conditions:
SMAD6-related disease. Also called: SMAD6-related condition; SMAD6-related disorder. Identifiers: MedGen CN381596, MONDO:0700324.

Allele frequency attached by ClinVar (database versions not stated): TOPMed below 0.00001.

Submission:

PreventionGenetics, part of Exact Sciences
Classification: Uncertain significance for SMAD6-related condition. Last evaluated: 2023-05-19. Review status: criteria provided, single submitter. Criteria: ACMG Guidelines, 2015. Collection method: clinical testing. Allele origin: germline.
Comment: The SMAD6 c.1153A>C variant is predicted to result in the amino acid substitution p.Ser385Arg. To our knowledge, this variant has not been reported in the literature or in a large population database, indicating this variant is rare. At this time, the clinical significance of this variant is uncertain due to the absence of conclusive functional and genetic evidence.

NM_005585.5(SMAD6):c.1153A>C (p.Ser385Arg)

Gene: SMAD6 (SMAD family member 6; plus strand). Cytogenetic location: 15q22.31.
Variant type: single nucleotide variant.
Coding change: c.1153A>C on transcript NM_005585.5 (MANE Select); coding-DNA position 1153, A replaced by C.
Protein change: p.Ser385Arg; replaces serine 385 with arginine.
Molecular consequence: missense variant. On other transcripts: non-coding transcript variant (1).
Genome position (GRCh38, 1-based): chr15:66,781,197, A>C. VCF-style: chr15-66781197-A-C. GRCh37 (hg19) VCF-style: chr15-67073535-A-C.
Other names: short protein forms S385R.
Identifiers: ClinVar variation 2635488 (VCV002635488.1), dbSNP rs755831442, ClinGen allele CA393201966.